The following is an entry in ClinVar:

ClinVar aggregate classification (germline): Conflicting classifications of pathogenicity. Review status: criteria provided, conflicting classifications (1 of 4 stars). 3 submissions from 3 submitters: Likely pathogenic (1); Uncertain significance (2). Last evaluated 2026-07-27.

Conditions:
Granulomatous disease, chronic, autosomal recessive, cytochrome b-negative. Also called: GRANULOMATOUS DISEASE, CHRONIC, AUTOSOMAL RECESSIVE, 4; Chronic granulomatous disease, autosomal, due to deficiency of CYBA; CGD DUE TO DEFICIENCY OF THE ALPHA SUBUNIT OF CYTOCHROME b; CGD, AUTOSOMAL RECESSIVE CYTOCHROME b-NEGATIVE; CYBA DEFICIENCY. Identifiers: Orphanet 379, MedGen C1856255, MONDO:0009308, OMIM 233690.
Chronic granulomatous disease. Identifiers: Orphanet 379, MedGen C0018203, MONDO:0018305.

Allele frequency attached by ClinVar (database versions not stated): gnomAD 0.00001; TOPMed 0.00002; 1000 Genomes Project 30x 0.00031.

Submissions (3):

Myriad Genetics, Inc.
Classification: Uncertain significance for Granulomatous disease, chronic, autosomal recessive, cytochrome b-negative. Last evaluated: 2026-07-27. Review status: criteria provided, single submitter. Criteria: Myriad Autosomal Dominant, Autosomal Recessive and X-Linked Classification Criteria (2023). Collection method: clinical testing. Allele origin: unknown.
Comment: NM_000101.3(CYBA):c.467C>T(P156L) is a missense variant classified as a variant of uncertain significance in the context of chronic granulomatous disease, CYBA-related. P156L has been observed in a case with relevant disease (PMID: 32506450). Relevant functional assessments of this variant are not available in the literature. P156L has not been observed in referenced population frequency databases. In summary, there is insufficient evidence to classify NM_000101.3(CYBA):c.467C>T(P156L) as pathogenic or benign. Please note: this variant was assessed in the context of healthy population screening.

Natera, Inc.
Classification: Likely pathogenic for Chronic granulomatous disease. Last evaluated: 2025-04-17. Review status: criteria provided, single submitter. Criteria: Natera Variant Classification Schema (03/2026). Collection method: clinical testing. Allele origin: germline.
Comment: The c.467C>T variant in CYBA is a missense variant predicted to cause substitution of proline to leucine at amino acid 156. This variant is rare in the general population with a frequency below the threshold expected for the associated phenotype(s). This variant has been observed in one or more individuals affected with the associated recessive disease, as either homozygous or compound heterozygous with a second variant (PMID: 32506450). Additionally, this variant has been observed to segregate in affected family members (PMID: 32506450). A different variant at the same position has been determined to be Pathogenic or Likely Pathogenic. Computational prediction algorithms indicate this variant is likely to affect gene or protein function. Given the available evidence, this variant is classified as Likely Pathogenic.

Labcorp Genetics (formerly Invitae), Labcorp
Classification: Uncertain significance for Granulomatous disease, chronic, autosomal recessive, cytochrome b-negative. Last evaluated: 2022-03-18. Review status: criteria provided, single submitter. Criteria: Invitae Variant Classification Sherloc (09022015). Collection method: clinical testing. Allele origin: germline.
Comment: This sequence change replaces proline, which is neutral and non-polar, with leucine, which is neutral and non-polar, at codon 156 of the CYBA protein (p.Pro156Leu). This variant is not present in population databases (gnomAD no frequency). This variant has not been reported in the literature in individuals affected with CYBA-related conditions. Algorithms developed to predict the effect of missense changes on protein structure and function are either unavailable or do not agree on the potential impact of this missense change (SIFT: "Deleterious"; PolyPhen-2: "Probably Damaging"; Align-GVGD: "Class C0"). In summary, the available evidence is currently insufficient to determine the role of this variant in disease. Therefore, it has been classified as a Variant of Uncertain Significance.

Literature cited by the submitters: PubMed 32506450 (cited by Myriad Genetics, Inc. and Natera, Inc.).

NM_000101.4(CYBA):c.467C>T (p.Pro156Leu)

Gene: CYBA (cytochrome b-245 alpha chain; minus strand). Cytogenetic location: 16q24.2.
Variant type: single nucleotide variant.
Coding change: c.467C>T on transcript NM_000101.4 (MANE Select); coding-DNA position 467, C replaced by T.
Protein change: p.Pro156Leu; replaces proline 156 with leucine.
Molecular consequence: missense variant.
Genome position (GRCh38, 1-based): chr16:88,643,474, G>A on the plus strand (C>T on the coding strand, the complement: CYBA is on the minus strand). VCF-style: chr16-88643474-G-A. GRCh37 (hg19) VCF-style: chr16-88709882-G-A.
Other names: c.467C>T (NM_000101.3); short protein forms P156L.
Identifiers: ClinVar variation 1359256 (VCV001359256.7), dbSNP rs104894515, ClinGen allele CA397057110.